The following is an entry in ClinVar:

ClinVar aggregate classification (germline): Conflicting classifications of pathogenicity. Review status: criteria provided, conflicting classifications (1 of 4 stars). 4 submissions from 4 submitters: Pathogenic (1); Likely pathogenic (1); Uncertain significance (1). 1 of the submissions does not count toward it. Last evaluated 2025-09-29.

Conditions:
Medium-chain acyl-coenzyme A dehydrogenase deficiency (ACADMD). Also called: CARNITINE DEFICIENCY SECONDARY TO MEDIUM-CHAIN ACYL-CoA DEHYDROGENASE DEFICIENCY; ACADM DEFICIENCY; MCADH DEFICIENCY; Medium chain acyl-CoA dehydrogenase deficiency; MCAD Deficiency; MCADD. Identifiers: Orphanet 42, MedGen C0220710, MONDO:0008721, OMIM 201450.

Allele frequency attached by ClinVar (database versions not stated): TOPMed below 0.00001; gnomAD exomes 0.00002.
gnomAD v4.1: 22 of 1,611,762 alleles (0.0014%); highest among the groups gnomAD compares: Non-Finnish European, 0.0019%; no homozygotes.

Submissions (4):

Labcorp Genetics (formerly Invitae), Labcorp
Classification: Pathogenic for Medium-chain acyl-coenzyme A dehydrogenase deficiency. Last evaluated: 2025-09-29. Review status: criteria provided, single submitter. Criteria: Invitae Variant Classification Sherloc (09022015). Collection method: clinical testing. Allele origin: germline.
Comment: This sequence change replaces valine, which is neutral and non-polar, with alanine, which is neutral and non-polar, at codon 289 of the ACADM protein (p.Val289Ala). This variant is not present in population databases (gnomAD no frequency). This missense change has been observed in individual(s) with ACADM-related conditions (internal data). In at least one individual the data is consistent with being in trans (on the opposite chromosome) from a pathogenic variant. ClinVar contains an entry for this variant (Variation ID: 377420). Invitae Evidence Modeling of protein sequence and biophysical properties (such as structural, functional, and spatial information, amino acid conservation, physicochemical variation, residue mobility, and thermodynamic stability) indicates that this missense variant is not expected to disrupt ACADM protein function with a negative predictive value of 80%. This variant disrupts the p.Val289 amino acid residue in ACADM. Other variant(s) that disrupt this residue have been observed in individuals with ACADM-related conditions (PMID: 22630369), which suggests that this may be a clinically significant amino acid residue. For these reasons, this variant has been classified as Pathogenic.

ARUP Laboratories, Molecular Genetics and Genomics, ARUP Laboratories
Classification: Uncertain significance for Medium-chain acyl-coenzyme A dehydrogenase deficiency. Last evaluated: 2025-04-17. Review status: criteria provided, single submitter. Criteria: ARUP Molecular Germline Variant Investigation Process 2024. Collection method: clinical testing. Allele origin: germline.
Comment: The ACADM c.866T>C; p.Val289Ala variant (rs1057520215, ClinVar Variation ID: 377420), also known as Val264Ala in the traditional nomenclature to our knowledge, is reported in a newborn screening cohort, however, no clinical information was provided (Adhikari 2020). This variant is absent from the Genome Aggregation Database (v2.1.1), indicating it is not a common polymorphism. Additionally, another variant at this codon (c.865G>A, p.Val289Ile) has been reported in compound heterozygous individuals with MCAD deficiency and is considered disease causing (Jager 2019, Touw 2012). Computational analyses predict that the p.Val289Ala variant is deleterious (REVEL: 0.706). However, given the limited clinical data and lack of functional data, the significance of this variant is uncertain at this time. References: Adhikari AN et al. The role of exome sequencing in newborn screening for inborn errors of metabolism. Nat Med. 2020 Sep;26(9):1392-1397. PMID: 32778825. Jager EA et al. A nationwide retrospective observational study of population newborn screening for medium-chain acyl-CoA dehydrogenase (MCAD) deficiency in the Netherlands. J Inherit Metab Dis. 2019 Sep;42(5):890-897. PMID: 31012112. Touw CM et al. Risk stratification by residual enzyme activity after newborn screening for medium-chain acyl-CoA dehyrogenase deficiency: data from a cohort study. Orphanet J Rare Dis. 2012 May 25;7:30. PMID: 22630369.

GeneDx
Classification: Likely pathogenic. Last evaluated: 2024-12-04. Review status: criteria provided, single submitter. Criteria: GeneDx Variant Classification Process June 2021. Collection method: clinical testing. Allele origin: germline. Affected: yes.
Comment: Reported in an individual from a cohort of positive newborn screening that underwent whole exome sequencing in the published literature; however, clinical information was not provided (PMID: 32778825); Not observed at significant frequency in large population cohorts (gnomAD); In silico analysis supports that this missense variant has a deleterious effect on protein structure/function; This variant is associated with the following publications: (PMID: 32778825)

Natera, Inc.
Classification: Uncertain significance for Medium Chain Acyl-CoA Dehydrogenase Deficiency. Last evaluated: 2018-12-06. Review status: no assertion criteria provided. Collection method: clinical testing. Allele origin: germline. Not counted in ClinVar's aggregate classification.

Literature cited by the submitters: PubMed 22630369 (cited by Labcorp Genetics (formerly Invitae), Labcorp).

NM_000016.6(ACADM):c.866T>C (p.Val289Ala)

Gene: ACADM (acyl-CoA dehydrogenase medium chain; plus strand). Cytogenetic location: 1p31.1.
Variant type: single nucleotide variant.
Coding change: c.866T>C on transcript NM_000016.6 (MANE Select); coding-DNA position 866, T replaced by C.
Protein change: p.Val289Ala; replaces valine 289 with alanine.
Molecular consequence: missense variant.
Genome position (GRCh38, 1-based): chr1:75,750,467, T>C. VCF-style: chr1-75750467-T-C. GRCh37 (hg19) VCF-style: chr1-76216152-T-C.
Other names: c.878T>C, p.Val293Ala (NM_001127328.3); c.758T>C, p.Val253Ala (NM_001286042.2); c.965T>C, p.Val322Ala (NM_001286043.2); c.299T>C, p.Val100Ala (NM_001286044.2); short protein forms V289A, V100A, V253A, V322A, V293A.
Identifiers: ClinVar variation 377420 (VCV000377420.14), dbSNP rs1057520215, ClinGen allele CA16603787.